The following is an entry in ClinVar:

NM_001148.6(ANK2):c.2335G>T (p.Val779Phe)

Gene: ANK2 (ankyrin 2; plus strand). Cytogenetic location: 4q26.
Variant type: single nucleotide variant.
Coding change: c.2335G>T on transcript NM_001148.6 (MANE Select); coding-DNA position 2335, G replaced by T.
Protein change: p.Val779Phe; replaces valine 779 with phenylalanine.
Molecular consequence: missense variant.
Genome position (GRCh38, 1-based): chr4:113,292,473, G>T. VCF-style: chr4-113292473-G-T. GRCh37 (hg19) VCF-style: chr4-114213629-G-T.
Other names: c.2272G>T, p.Val758Phe (NM_001127493.3, NM_001354239.2, NM_001354243.2 and 10 more transcripts); c.2335G>T, p.Val779Phe (NM_001354225.2, NM_001354228.2, NM_001354232.2 and 6 more transcripts); c.2380G>T, p.Val794Phe (NM_001354230.2, NM_001354231.2, NM_001354237.2 and 5 more transcripts); c.2236G>T, p.Val746Phe (NM_001354245.2, NM_001354268.2); c.2248G>T, p.Val750Phe (NM_001354249.2, NM_001354264.2, NM_001354266.2 and 10 more transcripts); c.2173G>T, p.Val725Phe (NM_001354253.2, NM_001354257.2, NM_001354270.2 and 1 more transcripts); c.2149G>T, p.Val717Phe (NM_001354260.2, NM_001354271.2, NM_001386151.1); c.2293G>T, p.Val765Phe (NM_001354261.2, NM_001386147.1, NM_001386160.1); and 8 more; short protein forms V651F, V684F, V709F, V713F, V717F, V725F, V746F, V750F.
Identifiers: ClinVar variation 3373350 (VCV003373350.1).

ClinVar aggregate classification (germline): Uncertain significance (1 of 4 stars; one submission).

Submission:

GeneDx
Classification: Uncertain significance. Last evaluated: 2024-05-03. Review status: criteria provided, single submitter. Criteria: GeneDx Variant Classification Process June 2021. Collection method: clinical testing. Allele origin: germline. Affected: yes.
Comment: Not observed at significant frequency in large population cohorts (gnomAD); In silico analysis supports that this missense variant has a deleterious effect on protein structure/function; Has not been previously published as pathogenic or benign to our knowledge